The following is an entry in ClinVar:

NM_014946.4(SPAST):c.1616+5G>A

Gene: SPAST (spastin; plus strand). Cytogenetic location: 2p22.3.
Variant type: single nucleotide variant.
Coding change: c.1616+5G>A on transcript NM_014946.4 (MANE Select); 5 bases into the intron after coding-DNA position 1616, G replaced by A.
Molecular consequence: intron variant.
Genome position (GRCh38, 1-based): chr2:32,143,420, G>A. VCF-style: chr2-32143420-G-A. GRCh37 (hg19) VCF-style: chr2-32368489-G-A.
Other names: c.1520+5G>A (NM_199436.2, NM_001377959.1); c.1613+5G>A (NM_001363823.2); c.1517+5G>A (NM_001363875.2).
Identifiers: ClinVar variation 988976 (VCV000988976.3), dbSNP rs2148759485, ClinGen allele CA2499215919.

ClinVar aggregate classification (germline): Conflicting classifications of pathogenicity. Review status: criteria provided, conflicting classifications (1 of 4 stars). 3 submissions from 3 submitters: Pathogenic (1); Uncertain significance (2). Last evaluated 2025-09-27.

Conditions:
Hereditary spastic paraplegia 4. Also called: Spastic paraplegia 4, autosomal dominant; Spastic Paraplegia 4; Familial spastic paraplegia autosomal dominant 2. Identifiers: Orphanet 100985, MedGen C1866855, MONDO:0008438, OMIM 182601.

Submissions (3):

Labcorp Genetics (formerly Invitae), Labcorp
Classification: Uncertain significance for Hereditary spastic paraplegia 4. Last evaluated: 2025-09-27. Review status: criteria provided, single submitter. Criteria: Invitae Variant Classification Sherloc (09022015). Collection method: clinical testing. Allele origin: germline.
Comment: This sequence change falls in intron 14 of the SPAST gene. It does not directly change the encoded amino acid sequence of the SPAST protein. It affects a nucleotide within the consensus splice site. This variant is not present in population databases (gnomAD no frequency). This variant has been observed in individual(s) with autosomal dominant hereditary spastic paraplegia (PMID: 34983064; internal data). ClinVar contains an entry for this variant (Variation ID: 988976). Variants that disrupt the consensus splice site are a relatively common cause of aberrant splicing (PMID: 17576681, 9536098). Algorithms developed to predict the effect of sequence changes on RNA splicing suggest that this variant may disrupt the consensus splice site. In summary, the available evidence is currently insufficient to determine the role of this variant in disease. Therefore, it has been classified as a Variant of Uncertain Significance.

Molecular Genetics, Royal Melbourne Hospital
Classification: Uncertain significance for Hereditary spastic paraplegia 4. Last evaluated: 2023-03-30. Review status: criteria provided, single submitter. Criteria: ACMG Guidelines, 2015. Collection method: clinical testing. Allele origin: germline. Affected: yes.
Comment: This sequence change in SPAST is an intronic variant located in intron 14. This variant is absent from the population database gnomAD v2.1 and v3.1. This variant has been reported in at least two probands with hereditary spastic paraplegia (ClinVar: SCV001451008.1; Royal Melbourne Hospital). The results from multiple in silico splicing predictors (SpliceAI, MaxEntScan, NNSplice) are conflicting for predicting an impact on splicing. Based on the classification scheme RMH Modified ACMG Guidelines v1.5.1, this variant is classified as a VARIANT OF UNCERTAIN SIGNIFICANCE. Following criteria are met: PS4_Supporting, PM2_Supporting.

Paris Brain Institute, Inserm - ICM
Classification: Pathogenic for Hereditary spastic paraplegia 4. Review status: criteria provided, single submitter. Criteria: ACMG Guidelines, 2015. Collection method: clinical testing. Allele origin: unknown. Affected: yes. Observed: 1 variant allele.

Literature cited by the submitters: PubMed 34983064 (cited by Labcorp Genetics (formerly Invitae), Labcorp); PubMed 17576681 (cited by Labcorp Genetics (formerly Invitae), Labcorp); PubMed 9536098 (cited by Labcorp Genetics (formerly Invitae), Labcorp).